The following is an entry in ClinVar:

ClinVar aggregate classification (germline): Uncertain significance (1 of 4 stars; one submission).

Allele frequency attached by ClinVar (database versions not stated): TOPMed below 0.00001.
gnomAD v4.1: 1 of 1,593,532 alleles (0.000063%); highest among the groups gnomAD compares: Admixed American, 0.0017%; no homozygotes.

Submission:

Labcorp Genetics (formerly Invitae), Labcorp
Classification: Uncertain significance. Last evaluated: 2025-06-22. Review status: criteria provided, single submitter. Criteria: Invitae Variant Classification Sherloc (09022015). Collection method: clinical testing. Allele origin: germline.
Comment: This sequence change replaces glutamic acid, which is acidic and polar, with aspartic acid, which is acidic and polar, at codon 2032 of the MYO7A protein (p.Glu2032Asp). This variant is not present in population databases (gnomAD no frequency). This variant has not been reported in the literature in individuals affected with MYO7A-related conditions. ClinVar contains an entry for this variant (Variation ID: 2920368). Invitae Evidence Modeling of protein sequence and biophysical properties (such as structural, functional, and spatial information, amino acid conservation, physicochemical variation, residue mobility, and thermodynamic stability) indicates that this missense variant is not expected to disrupt MYO7A protein function with a negative predictive value of 95%. In summary, the available evidence is currently insufficient to determine the role of this variant in disease. Therefore, it has been classified as a Variant of Uncertain Significance.

NM_000260.4(MYO7A):c.6096G>C (p.Glu2032Asp)

Gene: MYO7A (myosin VIIA; plus strand). Cytogenetic location: 11q13.5.
Variant type: single nucleotide variant.
Coding change: c.6096G>C on transcript NM_000260.4 (MANE Select); coding-DNA position 6096, G replaced by C.
Protein change: p.Glu2032Asp; replaces glutamic acid 2032 with aspartic acid.
Molecular consequence: missense variant.
Genome position (GRCh38, 1-based): chr11:77,211,196, G>C. VCF-style: chr11-77211196-G-C. GRCh37 (hg19) VCF-style: chr11-76922241-G-C.
Other names: c.5982G>C, p.Glu1994Asp (NM_001127180.2); c.5949G>C, p.Glu1983Asp (NM_001369365.1); short protein forms E1983D, E1994D, E2032D.
Identifiers: ClinVar variation 2920368 (VCV002920368.3), dbSNP rs772154112, ClinGen allele CA381935674.